The following is an entry in ClinVar:

ClinVar aggregate classification (germline): Benign. Review status: criteria provided, multiple submitters, no conflicts (2 of 4 stars). 3 submissions from 3 submitters: Benign (3). Last evaluated 2024-07-31.

Allele frequency attached by ClinVar (database versions not stated): gnomAD exomes 0.23858 and 0.24642; ExAC 0.25742; gnomAD 0.26894 and 0.27000; TOPMed 0.27128; ESP Exome Variant Server 0.28279; 1000 Genomes Project 30x 0.30653; 1000 Genomes Project 0.30751.
gnomAD v4.1: 390,034 of 1,610,546 alleles (24%); highest among the groups gnomAD compares: East Asian, 38%; 49,259 homozygotes.

Submissions (3):

Unidad de Genómica Garrahan, Hospital de Pediatría Garrahan
Classification: Benign. Last evaluated: 2024-07-31. Review status: criteria provided, single submitter. Criteria: ACMG Guidelines, 2015. Collection method: clinical testing. Allele origin: germline. Affected: no. Observed: 33 variant alleles.
Comment: This variant is classified as Benign based on local population frequency. This variant was detected in 35% of patients studied in a panel designed for Epileptic and Developmental Encephalopathy, Progressive Myoclonus Epilepsy and Abnormal Movements and Neurodegeneration with brain iron accumulation. Number of patients: 33. Only high quality variants are reported.

GeneDx
Classification: Benign. Last evaluated: 2021-03-26. Review status: criteria provided, single submitter. Criteria: GeneDx Variant Classification Process June 2021. Collection method: clinical testing. Allele origin: germline. Affected: yes.

Breakthrough Genomics
Classification: Benign. Review status: criteria provided, single submitter. Criteria: ACMG Guidelines, 2015. Collection method: not provided. Allele origin: germline. Inheritance: Autosomal recessive inheritance. Affected: yes.

NM_001082971.2(DDC):c.570+42G>A

Gene: DDC (dopa decarboxylase; minus strand). Cytogenetic location: 7p12.1.
Variant type: single nucleotide variant.
Coding change: c.570+42G>A on transcript NM_001082971.2 (MANE Select); 42 bases into the intron after coding-DNA position 570, G replaced by A.
Molecular consequence: intron variant.
Genome position (GRCh38, 1-based): chr7:50,529,166, C>T on the plus strand (G>A on the coding strand, the complement: DDC is on the minus strand). VCF-style: chr7-50529166-C-T. GRCh37 (hg19) VCF-style: chr7-50596864-C-T.
Other names: c.336+42G>A (NM_001242888.2); c.456+42G>A (NM_001242886.2); c.435+8694G>A (NM_001242889.2); c.570+42G>A (NM_001242887.2, NM_000790.4, NM_001242890.2).
Identifiers: ClinVar variation 1256784 (VCV001256784.5), dbSNP rs3735273, ClinGen allele CA4262331.